The following is an entry in ClinVar:

NM_000551.4(VHL):c.341-5del

Genes: VHL (von Hippel-Lindau tumor suppressor; plus strand), LOC107303340 (3p25 von Hippel-Lindau tumor suppressor, E3 ubiquitin protein ligase Alu-mediated recombination region; plus strand). Cytogenetic location: 3p25.3.
Variant type: Deletion.
Coding change: c.341-5del on transcript NM_000551.4 (MANE Select); 5 bases into the intron before coding-DNA position 341, one base deleted (G; older notation c.341-5delG).
Molecular consequence: intron variant.
Genome position (GRCh38, 1-based): chr3:10,146,509, G deleted. VCF-style (leftmost placement, unchanged base first): chr3-10146508-CG-C. GRCh37 (hg19) VCF-style: chr3-10188192-CG-C.
Other names: c.*18-3278del (NM_001354723.2); c.341-3278del (NM_198156.3).
Identifiers: ClinVar variation 1482470 (VCV001482470.8), dbSNP rs2125128198, ClinGen allele CA2573136187.
Genomic context (GRCh38, chr3:10,146,508, plus strand): 5'-ACAGGTGTGGGCCACCGTGCCCAGCCACCGGTGTGGCTCTTTAACAACCTTTGCTTGTCC[CG>C]ATAGGTCACCTTTGGCTCTTCAGAGATGCAGGGACACACGATGGGCTTCTGGTTAACCAA-3'

ClinVar aggregate classification (germline): Uncertain significance (1 of 4 stars; one submission).

Conditions:
Von Hippel-Lindau syndrome (VHLS). Also called: Von Hippel-Lindau; von Hippel–Lindau syndrome; VHL syndrome. Identifiers: Orphanet 892, MedGen C0019562, MONDO:0008667, OMIM 193300. Disease mechanism: loss of function.
Chuvash polycythemia. Also called: POLYCYTHEMIA, VHL-DEPENDENT. Identifiers: Orphanet 238557, MedGen C1837915, MONDO:0009892, OMIM 263400.

Allele frequency attached by ClinVar (database versions not stated): gnomAD exomes below 0.00001.

Submission:

Labcorp Genetics (formerly Invitae), Labcorp
Classification: Uncertain significance for Von Hippel-Lindau syndrome; Chuvash polycythemia. Last evaluated: 2020-10-21. Review status: criteria provided, single submitter. Criteria: Invitae Variant Classification Sherloc (09022015). Collection method: clinical testing. Allele origin: germline.
Comment: This variant is not present in population databases (ExAC no frequency). This sequence change falls in intron 1 of the VHL gene. It does not directly change the encoded amino acid sequence of the VHL protein. This variant has not been reported in the literature in individuals with VHL-related conditions. In summary, the available evidence is currently insufficient to determine the role of this variant in disease. Therefore, it has been classified as a Variant of Uncertain Significance. Algorithms developed to predict the effect of sequence changes on RNA splicing suggest that this variant may disrupt the consensus splice site, but this prediction has not been confirmed by published transcriptional studies.